The following is an entry in ClinVar:

ClinVar aggregate classification (germline): Uncertain significance (1 of 4 stars; one submission).

Submission:

ARUP Laboratories, Molecular Genetics and Genomics, ARUP Laboratories
Classification: Uncertain significance. Last evaluated: 2025-03-28. Review status: criteria provided, single submitter. Criteria: ARUP Molecular Germline Variant Investigation Process 2024. Collection method: clinical testing. Allele origin: germline.
Comment: The SLC4A1 c.806T>C; p.Leu269Pro variant, to our knowledge, is not reported in the medical literature or gene specific databases. This variant is also absent from the Genome Aggregation Database (v2.1.1), indicating it is not a common polymorphism. Computational analyses predict that this variant is deleterious (REVEL: 0.9). However, given the lack of clinical and functional data, the significance of this variant is uncertain at this time.

NM_000342.4(SLC4A1):c.806T>C (p.Leu269Pro)

Gene: SLC4A1 (solute carrier family 4 member 1 (Diego blood group); minus strand). Cytogenetic location: 17q21.31.
Variant type: single nucleotide variant.
Coding change: c.806T>C on transcript NM_000342.4 (MANE Select); coding-DNA position 806, T replaced by C.
Protein change: p.Leu269Pro; replaces leucine 269 with proline.
Molecular consequence: missense variant.
Genome position (GRCh38, 1-based): chr17:44,259,233, A>G on the plus strand (T>C on the coding strand, the complement: SLC4A1 is on the minus strand). VCF-style: chr17-44259233-A-G. GRCh37 (hg19) VCF-style: chr17-42336601-A-G.
Other names: short protein forms L269P.
Identifiers: ClinVar variation 4685718 (VCV004685718.1).